The following is an entry in ClinVar:

ClinVar aggregate classification (germline): Uncertain significance. Review status: criteria provided, multiple submitters, no conflicts (2 of 4 stars). 3 submissions from 3 submitters: Uncertain significance (3). Last evaluated 2025-09-24.

Conditions:
Inborn genetic diseases. Identifiers: MedGen C0950123, MeSH D030342.

Allele frequency attached by ClinVar (database versions not stated): gnomAD 0.00001 and 0.00003; TOPMed 0.00002; gnomAD exomes 0.00004 and 0.00005; ExAC 0.00005.

Submissions (3):

Labcorp Genetics (formerly Invitae), Labcorp
Classification: Uncertain significance. Last evaluated: 2025-09-24. Review status: criteria provided, single submitter. Criteria: Invitae Variant Classification Sherloc (09022015). Collection method: clinical testing. Allele origin: germline.
Comment: This sequence change replaces proline, which is neutral and non-polar, with leucine, which is neutral and non-polar, at codon 266 of the ZNF408 protein (p.Pro266Leu). This variant is present in population databases (rs542945003, gnomAD 0.03%). This variant has not been reported in the literature in individuals affected with ZNF408-related conditions. ClinVar contains an entry for this variant (Variation ID: 858073). An algorithm developed to predict the effect of missense changes on protein structure and function outputs the following: PolyPhen-2: "Benign". The leucine amino acid residue is found in multiple mammalian species, which suggests that this missense change does not adversely affect protein function. In summary, the available evidence is currently insufficient to determine the role of this variant in disease. Therefore, it has been classified as a Variant of Uncertain Significance.

Ambry Genetics
Classification: Uncertain significance for Inborn genetic diseases. Last evaluated: 2025-02-28. Review status: criteria provided, single submitter. Criteria: Ambry Variant Classification Scheme 2023. Collection method: clinical testing. Allele origin: germline.

Blueprint Genetics
Classification: Uncertain significance. Last evaluated: 2024-10-09. Review status: criteria provided, single submitter. Criteria: ACMG Guidelines, 2015. Collection method: clinical testing. Allele origin: germline.

NM_024741.3(ZNF408):c.797C>T (p.Pro266Leu)

Gene: ZNF408 (zinc finger protein 408; plus strand). Cytogenetic location: 11p11.2.
Variant type: single nucleotide variant.
Coding change: c.797C>T on transcript NM_024741.3 (MANE Select); coding-DNA position 797, C replaced by T.
Protein change: p.Pro266Leu; replaces proline 266 with leucine.
Molecular consequence: missense variant.
Genome position (GRCh38, 1-based): chr11:46,704,497, C>T. VCF-style: chr11-46704497-C-T. GRCh37 (hg19) VCF-style: chr11-46726047-C-T.
Other names: c.773C>T, p.Pro258Leu (NM_001184751.2); short protein forms P258L, P266L.
Identifiers: ClinVar variation 858073 (VCV000858073.11), dbSNP rs542945003, ClinGen allele CA5966433.